The following is an entry in ClinVar:

ClinVar aggregate classification (germline): Conflicting classifications of pathogenicity. Review status: criteria provided, conflicting classifications (1 of 4 stars). 2 submissions from 2 submitters: Likely pathogenic (1); Uncertain significance (1). Last evaluated 2024-04-25.

Submissions (2):

Labcorp Genetics (formerly Invitae), Labcorp
Classification: Likely pathogenic. Last evaluated: 2024-04-25. Review status: criteria provided, single submitter. Criteria: Invitae Variant Classification Sherloc (09022015). Collection method: clinical testing. Allele origin: germline.
Comment: This sequence change replaces arginine, which is basic and polar, with histidine, which is basic and polar, at codon 1047 of the TRRAP protein (p.Arg1047His). This variant is not present in population databases (gnomAD no frequency). This missense change has been observed in individual(s) with clinical features of TRRAP-related conditions (Invitae). In at least one individual the variant was observed to be de novo. ClinVar contains an entry for this variant (Variation ID: 1066156). Advanced modeling of protein sequence and biophysical properties (such as structural, functional, and spatial information, amino acid conservation, physicochemical variation, residue mobility, and thermodynamic stability) performed at Invitae indicates that this missense variant is not expected to disrupt TRRAP protein function with a negative predictive value of 80%. In summary, the currently available evidence indicates that the variant is pathogenic, but additional data are needed to prove that conclusively. Therefore, this variant has been classified as Likely Pathogenic.

GeneDx
Classification: Uncertain significance. Last evaluated: 2022-07-07. Review status: criteria provided, single submitter. Criteria: GeneDx Variant Classification Process June 2021. Collection method: clinical testing. Allele origin: germline. Affected: yes.
Comment: Not observed at significant frequency in large population cohorts (gnomAD); In silico analysis supports that this missense variant has a deleterious effect on protein structure/function; Has not been previously published as pathogenic or benign to our knowledge

NM_001375524.1(TRRAP):c.3140G>A (p.Arg1047His)

Gene: TRRAP (transformation/transcription domain associated protein; plus strand). Cytogenetic location: 7q22.1.
Variant type: single nucleotide variant.
Coding change: c.3140G>A on transcript NM_001375524.1 (MANE Select); coding-DNA position 3140, G replaced by A.
Protein change: p.Arg1047His; replaces arginine 1047 with histidine.
Molecular consequence: missense variant.
Genome position (GRCh38, 1-based): chr7:98,927,331, G>A. VCF-style: chr7-98927331-G-A. GRCh37 (hg19) VCF-style: chr7-98524954-G-A.
Other names: c.3140G>A, p.Arg1047His (NM_001244580.2, NM_003496.4); short protein forms R1047H.
Identifiers: ClinVar variation 1066156 (VCV001066156.10), dbSNP rs2116495297, ClinGen allele CA368297595.
Genomic context (GRCh38, chr7:98,927,331, plus strand): 5'-TGTCTGCTGTCATTAAGGACCTGCGGCCCAGCGCCCTGCCCTTTGTCGCCAGCTTGATCC[G>A]CCACTATACGATGGTGGCAGTCGCCCAGCAGTGTGGTGAGCACGGGGGCACGGTGGGGCA-3'
Protein context (NP_001362453.1, residues 1037-1057): SALPFVASLI[Arg1047His]HYTMVAVAQQ